The following is an entry in ClinVar:

ClinVar aggregate classification (germline): Likely benign. Review status: criteria provided, multiple submitters, no conflicts (2 of 4 stars). 6 submissions from 6 submitters: Likely benign (5). 1 of the submissions does not count toward it. Last evaluated 2025-12-02.

Conditions:
Tuberous sclerosis 2 (TSC2). Identifiers: Orphanet 805, MedGen C1860707, MONDO:0013199, OMIM 613254.
Isolated focal cortical dysplasia type II (FCORD2). Also called: CORTICAL DYSPLASIA OF TAYLOR; Focal cortical dysplasia type II. Identifiers: Orphanet 268994, MedGen C1846385, MONDO:0011818, OMIM 607341, HP:0032051.
Lymphangiomyomatosis (LAM). Also called: Lymphangioleiomyomatosis; Lymphangioleiomyomatosis, somatic. Identifiers: Orphanet 538, MedGen C0751674, MONDO:0011705, OMIM 606690.
Tuberous sclerosis syndrome (TSC). Also called: Tuberous Sclerosis Complex; Tuberous sclerosis. Identifiers: Orphanet 805, MedGen C0041341, MONDO:0001734.

Allele frequency attached by ClinVar (database versions not stated): TOPMed below 0.00001; gnomAD exomes 0.00003; ExAC 0.00004.
gnomAD v4.1: 11 of 1,611,692 alleles (0.00068%); highest among the groups gnomAD compares: Admixed American, 0.0083%; no homozygotes.

Submissions (6):

Labcorp Genetics (formerly Invitae), Labcorp
Classification: Likely benign for Tuberous sclerosis 2. Last evaluated: 2025-12-02. Review status: criteria provided, single submitter. Criteria: Invitae Variant Classification Sherloc (09022015). Collection method: clinical testing. Allele origin: germline.

Myriad Genetics, Inc.
Classification: Likely benign for Tuberous sclerosis 2. Last evaluated: 2025-06-04. Review status: criteria provided, single submitter. Criteria: Myriad Autosomal Dominant, Autosomal Recessive and X-Linked Classification Criteria (2023). Collection method: clinical testing. Allele origin: unknown.
Comment: This variant is considered likely benign. This variant is intronic and is not expected to impact mRNA splicing.

All of Us Research Program, National Institutes of Health
Classification: Likely benign for Tuberous sclerosis syndrome. Last evaluated: 2023-12-18. Review status: criteria provided, single submitter. Criteria: ACMG Guidelines, 2015. Collection method: clinical testing. Allele origin: germline. Inheritance: Autosomal dominant inheritance. Observed: 1 variant allele, 1 heterozygote.
Comment: This study involves interpretation of variants in research participants for the purpose of population health screening. Participant phenotype was not available at the time of variant classification. Additional details can be found in publication PMID: 35346344, PMCID: PMC8962531

Fulgent Genetics
Classification: Likely benign for Lymphangiomyomatosis; Isolated focal cortical dysplasia type II; Tuberous sclerosis 2. Last evaluated: 2022-05-25. Review status: criteria provided, single submitter. Criteria: ACMG Guidelines, 2015. Collection method: clinical testing. Allele origin: unknown.

GeneDx
Classification: Likely benign. Last evaluated: 2017-07-05. Review status: criteria provided, single submitter. Criteria: GeneDx Variant Classification (06012015). Collection method: clinical testing. Allele origin: germline. Affected: yes.
Comment: This variant is considered likely benign or benign based on one or more of the following criteria: it is a conservative change, it occurs at a poorly conserved position in the protein, it is predicted to be benign by multiple in silico algorithms, and/or has population frequency not consistent with disease.

Tuberous sclerosis database (TSC2)
No classification provided. Condition: TSC. Review status: no classification provided. Criteria: Tuberous Sclerosis Database Assertion Criteria 2015. Collection method: curation. Allele origin: germline. Affected: yes. Not counted in ClinVar's aggregate classification.

NM_000548.5(TSC2):c.4663-14C>T

Gene: TSC2 (TSC complex subunit 2; plus strand). Cytogenetic location: 16p13.3.
Variant type: single nucleotide variant.
Coding change: c.4663-14C>T on transcript NM_000548.5 (MANE Select); 14 bases into the intron before coding-DNA position 4663, C replaced by T.
Molecular consequence: intron variant.
Genome position (GRCh38, 1-based): chr16:2,086,179, C>T. VCF-style: chr16-2086179-C-T. GRCh37 (hg19) VCF-style: chr16-2136180-C-T.
Other names: c.4594-14C>T (NM_001114382.3); c.4534-14C>T (NM_021055.3, NM_001370405.1); c.4465-14C>T (NM_001363528.2); c.4531-14C>T (NM_001370404.1); c.4462-14C>T (NM_001077183.3); c.4354-14C>T (NM_001318827.2); c.3931-14C>T (NM_001318831.2); c.4318-14C>T (NM_001318829.2); and 1 more.
Identifiers: ClinVar variation 65240 (VCV000065240.13), dbSNP rs397515174, ClinGen allele CA020859.
Genomic context (GRCh38, chr16:2,086,179, plus strand): 5'-GGGCACCCCCACCCTCTGCGGGGCAGGGCCCGGCCCGGGAGTGATGCCACCCTGCCTCTC[C>T]CCTCTCCCCACAGAGCAACAGCGAGCTCGCCATCCTGTCCAATGAGCATGGCTCCTACAG-3'